The following is an entry in ClinVar:

NM_003640.5(ELP1):c.1854+3A>G

Gene: ELP1 (elongator acetyltransferase complex subunit 1; minus strand). Cytogenetic location: 9q31.3.
Variant type: single nucleotide variant.
Coding change: c.1854+3A>G on transcript NM_003640.5 (MANE Select); 3 bases into the intron after coding-DNA position 1854, A replaced by G.
Molecular consequence: intron variant.
Genome position (GRCh38, 1-based): chr9:108,902,836, T>C on the plus strand (A>G on the coding strand, the complement: ELP1 is on the minus strand). VCF-style: chr9-108902836-T-C. GRCh37 (hg19) VCF-style: chr9-111665116-T-C.
Other names: c.1854+3A>G (LRG_251t1); c.1512+3A>G (NM_001318360.2); c.807+3A>G (NM_001330749.2).
Identifiers: ClinVar variation 662573 (VCV000662573.12), dbSNP rs773379221, ClinGen allele CA5174882.

ClinVar aggregate classification (germline): Uncertain significance. Review status: criteria provided, single submitter (1 of 4 stars). 2 submissions from 2 submitters: Uncertain significance (1). 1 of the submissions does not count toward it. Last evaluated 2022-01-05.

Conditions:
Familial dysautonomia. Also called: HSAN III; FD. Identifiers: Orphanet 1764, MedGen C0013364, MONDO:0009131, OMIM 223900. Disease mechanism: loss of function.

Allele frequency attached by ClinVar (database versions not stated): gnomAD exomes below 0.00001; ExAC 0.00001; gnomAD 0.00001.
gnomAD v4.1: 5 of 1,607,874 alleles (0.00031%); highest among the groups gnomAD compares: Non-Finnish European, 0.00034%; no homozygotes.

Submissions (2):

Labcorp Genetics (formerly Invitae), Labcorp
Classification: Uncertain significance. Last evaluated: 2022-01-05. Review status: criteria provided, single submitter. Criteria: Invitae Variant Classification Sherloc (09022015). Collection method: clinical testing. Allele origin: germline.
Comment: In summary, the available evidence is currently insufficient to determine the role of this variant in disease. Therefore, it has been classified as a Variant of Uncertain Significance. Variants that disrupt the consensus splice site are a relatively common cause of aberrant splicing (PMID: 17576681, 9536098). Algorithms developed to predict the effect of sequence changes on RNA splicing suggest that this variant may disrupt the consensus splice site. ClinVar contains an entry for this variant (Variation ID: 662573). This variant has not been reported in the literature in individuals affected with ELP1-related conditions. This variant is present in population databases (rs773379221, gnomAD 0.0009%). This sequence change falls in intron 16 of the ELP1 gene. It does not directly change the encoded amino acid sequence of the ELP1 protein. It affects a nucleotide within the consensus splice site.

Natera, Inc.
Classification: Uncertain significance for Familial dysautonomia. Last evaluated: 2020-07-30. Review status: no assertion criteria provided. Collection method: clinical testing. Allele origin: germline. Not counted in ClinVar's aggregate classification.

Literature cited by the submitters: PubMed 17576681 (cited by Labcorp Genetics (formerly Invitae), Labcorp); PubMed 9536098 (cited by Labcorp Genetics (formerly Invitae), Labcorp).